The following is an entry in ClinVar:

ClinVar aggregate classification (germline): Conflicting classifications of pathogenicity. Review status: criteria provided, conflicting classifications (1 of 4 stars). 4 submissions from 4 submitters: Likely pathogenic (2); Uncertain significance (2). Last evaluated 2025-07-27.

Conditions:
ACTA2-related disorder. Also called: ACTA2-related condition; ACTA2-related disorders.
Aortic aneurysm, familial thoracic 6 (AAT6). Also called: FAMILIAL THORACIC AORTIC ANEURYSM WITH LIVEDO RETICULARIS AND IRIS FLOCCULI. Identifiers: MedGen C2673186, MONDO:0012730, OMIM 611788.
Familial thoracic aortic aneurysm and aortic dissection (TAAD). Also called: Thoracic aortic aneurysms and dissections. Identifiers: Orphanet 91387, MedGen C4707243, MONDO:0019625.

Submissions (4):

Labcorp Genetics (formerly Invitae), Labcorp
Classification: Likely pathogenic for Aortic aneurysm, familial thoracic 6. Last evaluated: 2025-07-27. Review status: criteria provided, single submitter. Criteria: Invitae Variant Classification Sherloc (09022015). Collection method: clinical testing. Allele origin: germline.
Comment: This sequence change replaces valine, which is neutral and non-polar, with alanine, which is neutral and non-polar, at codon 161 of the ACTA2 protein (p.Val161Ala). This variant is not present in population databases (gnomAD no frequency). This missense change has been observed in individuals with clinical features of thoracic aortic aneurysms and dissections (PMID: 22001912; internal data). ClinVar contains an entry for this variant (Variation ID: 812016). Invitae Evidence Modeling of protein sequence and biophysical properties (such as structural, functional, and spatial information, amino acid conservation, physicochemical variation, residue mobility, and thermodynamic stability) indicates that this missense variant is not expected to disrupt ACTA2 protein function with a negative predictive value of 80%. In summary, the currently available evidence indicates that the variant is pathogenic, but additional data are needed to prove that conclusively. Therefore, this variant has been classified as Likely Pathogenic.

Blueprint Genetics
Classification: Likely pathogenic for ACTA2-related disorders. Last evaluated: 2024-07-15. Review status: criteria provided, single submitter. Criteria: ACMG Guidelines, 2015. Collection method: clinical testing. Allele origin: germline. Affected: yes. Observed: 4 variant alleles.

Ambry Genetics
Classification: Uncertain significance for Familial thoracic aortic aneurysm and aortic dissection. Last evaluated: 2021-04-23. Review status: criteria provided, single submitter. Criteria: Ambry Variant Classification Scheme 2023. Collection method: clinical testing. Allele origin: germline.
Comment: The p.V161A variant (also known as c.482T>C), located in coding exon 5 of the ACTA2 gene, results from a T to C substitution at nucleotide position 482. The valine at codon 161 is replaced by alanine, an amino acid with similar properties. This alteration has been reported in a subject with thoracic aortic aneurysm and dissection (TAAD), who was noted to have an affected brother that was not available for testing (Sakai H et al. Hum Genet, 2012 Apr;131:591-9). This amino acid position is highly conserved in available vertebrate species. In addition, this alteration is predicted to be deleterious by in silico analysis. Since supporting evidence is limited at this time, the clinical significance of this alteration remains unclear.

ARUP Laboratories, Molecular Genetics and Genomics, ARUP Laboratories
Classification: Uncertain significance. Last evaluated: 2019-05-22. Review status: criteria provided, single submitter. Criteria: ARUP Molecular Germline Variant Investigation Process. Collection method: clinical testing. Allele origin: germline.
Comment: The ACTA2 c.482T>C; p.Val161Ala variant is reported in the literature in an individual affected with thoracic aortic aneurysm and/or dissection (Sakai 2012). This individual also had an affected sibling, although this relative was not tested for the presence of the p.Val161Ala variant (Sakai 2012). This variant is absent from general population databases (Exome Variant Server, Genome Aggregation Database), indicating it is not a common polymorphism. The valine at codon 161 is highly conserved and computational analyses (SIFT, PolyPhen-2) predict that this variant is deleterious. However, given the lack of clinical and functional data, the significance of the p.Val161Ala variant is uncertain at this time. References: Sakai H et al. Rapid detection of gene mutations responsible for non-syndromic aortic aneurysm and dissection using two different methods: resequencing microarray technology and next-generation sequencing. Hum Genet. 2012 Apr;131(4):591-9.

Literature cited by the submitters: PubMed 22001912 (cited by Labcorp Genetics (formerly Invitae), Labcorp and Ambry Genetics).

NM_001613.4(ACTA2):c.482T>C (p.Val161Ala)

Gene: ACTA2 (actin alpha 2, smooth muscle; minus strand). Cytogenetic location: 10q23.31.
Variant type: single nucleotide variant.
Coding change: c.482T>C on transcript NM_001613.4 (MANE Select); coding-DNA position 482, T replaced by C.
Protein change: p.Val161Ala; replaces valine 161 with alanine.
Molecular consequence: missense variant.
Genome position (GRCh38, 1-based): chr10:88,941,363, A>G on the plus strand (T>C on the coding strand, the complement: ACTA2 is on the minus strand). VCF-style: chr10-88941363-A-G. GRCh37 (hg19) VCF-style: chr10-90701120-A-G.
Other names: c.482T>C, p.Val161Ala (NM_001141945.3, NM_001320855.2, NM_001406462.1 and 3 more transcripts); c.371T>C, p.Val124Ala (NM_001406466.1); c.353T>C, p.Val118Ala (NM_001406467.1, NM_001406468.1, NM_001406469.1); short protein forms V161A, V124A, V118A.
Identifiers: ClinVar variation 812016 (VCV000812016.18), dbSNP rs1589394154, ClinGen allele CA377512328.